The following is an entry in ClinVar:

NM_000127.3(EXT1):c.-635C>T

Genes: EXT1 (exostosin glycosyltransferase 1; minus strand), LOC130001002 (ATAC-STARR-seq lymphoblastoid silent region 19478; plus strand). Cytogenetic location: 8q24.11.
Variant type: single nucleotide variant.
Coding change: c.-635C>T on transcript NM_000127.3 (MANE Select); 635 bases upstream of the start codon, C replaced by T.
Molecular consequence: 5 prime UTR variant.
Genome position (GRCh38, 1-based): chr8:118,111,681, G>A on the plus strand (C>T on the coding strand, the complement: EXT1 is on the minus strand). VCF-style: chr8-118111681-G-A. GRCh37 (hg19) VCF-style: chr8-119123920-G-A.
Identifiers: ClinVar variation 361674 (VCV000361674.9), dbSNP rs188740055, ClinGen allele CA10630046.

ClinVar aggregate classification (germline): Benign. Review status: criteria provided, multiple submitters, no conflicts (2 of 4 stars). 3 submissions from 3 submitters: Benign (3). Last evaluated 2021-05-12.

Conditions:
Multiple congenital exostosis (EXT). Also called: Hereditary multiple exostoses; Hereditary multiple exostosis; Multiple osteochondromas; Multiple exostoses; MULTIPLE CARTILAGINOUS EXOSTOSES; Hereditary multiple osteochondromas. Identifiers: Orphanet 321, MedGen C0015306, MONDO:0005508, HP:0002762.

Allele frequency attached by ClinVar (database versions not stated): gnomAD exomes 0.00238; 1000 Genomes Project 0.01817; gnomAD 0.01913 and 0.02060; 1000 Genomes Project 30x 0.01952; TOPMed 0.02059.
gnomAD v4.1: 3,158 of 283,276 alleles (1.1%); highest among the groups gnomAD compares: African/African-American, 6.4%; 79 homozygotes.

Submissions (3):

GeneDx
Classification: Benign. Last evaluated: 2021-05-12. Review status: criteria provided, single submitter. Criteria: GeneDx Variant Classification Process June 2021. Collection method: clinical testing. Allele origin: germline. Affected: yes.

Illumina Laboratory Services, Illumina
Classification: Benign for Exostoses, multiple, type 1. Last evaluated: 2018-01-13. Review status: criteria provided, single submitter. Criteria: ICSL Variant Classification Criteria 13 December 2019. Collection method: clinical testing. Allele origin: germline.
Comment: This variant was observed in the ICSL laboratory as part of a predisposition screen in an ostensibly healthy population. It had not been previously curated by ICSL or reported in the Human Gene Mutation Database (HGMD: prior to June 1st, 2018), and was therefore a candidate for classification through an automated scoring system. Utilizing variant allele frequency, disease prevalence and penetrance estimates, and inheritance mode, an automated score was calculated to assess if this variant is too frequent to cause the disease. Based on the score and internal cut-off values, a variant classified as benign is not then subjected to further curation. The score for this variant resulted in a classification of benign for this disease.

Breakthrough Genomics
Classification: Benign. Review status: criteria provided, single submitter. Criteria: ACMG Guidelines, 2015. Collection method: not provided. Allele origin: germline. Inheritance: Autosomal dominant inheritance. Affected: yes.